The following is an entry in ClinVar:

NM_000534.5(PMS1):c.421A>G (p.Thr141Ala)

Gene: PMS1 (PMS1 homolog 1, mismatch repair system component; plus strand). Cytogenetic location: 2q32.2.
Variant type: single nucleotide variant.
Coding change: c.421A>G on transcript NM_000534.5 (MANE Select); coding-DNA position 421, A replaced by G.
Protein change: p.Thr141Ala; replaces threonine 141 with alanine.
Molecular consequence: missense variant. On other transcripts: 5 prime UTR variant (2), non-coding transcript variant (1).
Genome position (GRCh38, 1-based): chr2:189,818,019, A>G. VCF-style: chr2-189818019-A-G. GRCh37 (hg19) VCF-style: chr2-190682745-A-G.
Other names: c.421A>G, p.Thr141Ala (NM_001128143.2, NM_001128144.2, NM_001321044.2 and 3 more transcripts); c.-108A>G (NM_001289408.2, NM_001289409.2); c.238A>G, p.Thr80Ala (NM_001321046.2); short protein forms T141A, T80A.
Identifiers: ClinVar variation 4881898 (VCV004881898.2).
Genomic context (GRCh38, chr2:189,818,019, plus strand): 5'-TGAAGATCTGTGACGTTCCTTCCAAATCTAAATGTGCTTTTCTCTTGTCTGCCAACAGGT[A>G]CAACTGTAACTGCTTTAAGATTATTTAAGAATCTACCTGTAAGAAAGCAGTTTTACTCAA-3'
Protein context (NP_000525.1, residues 131-151): SQKPSHLGQG[Thr141Ala]TVTALRLFKN

ClinVar aggregate classification (germline): Uncertain significance (1 of 4 stars; one submission).

Submission:

Dasa
Classification: Uncertain significance. Last evaluated: 2025-04-02. Review status: criteria provided, single submitter. Criteria: DASA Assertion Criteria. Collection method: clinical testing. Allele origin: germline.
Comment: NM_000534.5(PMS1):c.421A>G (p.Thr141Ala) is a missense variant that results in the substitution of threonine with alanine. This variant is rare in population databases. Computational prediction algorithms are consistent with a deleterious effect. The currently available literature and clinical evidence are not sufficient to establish a definitive association between this variant and the reported condition. Therefore, this variant is classified as a variant of uncertain significance.